The following is an entry in ClinVar:

ClinVar aggregate classification (germline): Uncertain significance. Review status: criteria provided, multiple submitters, no conflicts (2 of 4 stars). 2 submissions from 2 submitters: Uncertain significance (2). Last evaluated 2025-07-09.

Conditions:
Inborn genetic diseases. Identifiers: MedGen C0950123, MeSH D030342.

Submissions (2):

Labcorp Genetics (formerly Invitae), Labcorp
Classification: Uncertain significance. Last evaluated: 2025-07-09. Review status: criteria provided, single submitter. Criteria: Invitae Variant Classification Sherloc (09022015). Collection method: clinical testing. Allele origin: germline.
Comment: This sequence change replaces glycine, which is neutral and non-polar, with arginine, which is basic and polar, at codon 471 of the MBD4 protein (p.Gly471Arg). This variant also falls at the last nucleotide of exon 5, which is part of the consensus splice site for this exon. This variant is present in population databases (no rsID available, gnomAD no frequency). This variant has not been reported in the literature in individuals affected with MBD4-related conditions. ClinVar contains an entry for this variant (Variation ID: 3667872). An algorithm developed to predict the effect of missense changes on protein structure and function (PolyPhen-2) suggests that this variant is likely to be disruptive. Variants that disrupt the consensus splice site are a relatively common cause of aberrant splicing (PMID: 17576681, 9536098). Algorithms developed to predict the effect of sequence changes on RNA splicing suggest that this variant may disrupt the consensus splice site. In summary, the available evidence is currently insufficient to determine the role of this variant in disease. Therefore, it has been classified as a Variant of Uncertain Significance.

Ambry Genetics
Classification: Uncertain significance for Inborn genetic diseases. Last evaluated: 2025-01-30. Review status: criteria provided, single submitter. Criteria: Ambry Variant Classification Scheme 2023. Collection method: clinical testing. Allele origin: germline.
Comment: The c.1393G>C variant (also known as p.G465R), located in coding exon 5 of the MBD4 gene, results from a G to C substitution at nucleotide position 1393. The amino acid change results in glycine to arginine at codon 465, an amino acid with dissimilar properties. However, this change occurs in the last base pair of coding exon 5, which makes it likely to have some effect on normal mRNA splicing. This nucleotide position is well conserved in available vertebrate species. In silico splice site analysis predicts that this alteration will weaken the native splice donor site; however, direct evidence is insufficient at this time (Ambry internal data). Based on the available evidence, the clinical significance of this variant remains unclear.

Literature cited by the submitters: PubMed 17576681 (cited by Labcorp Genetics (formerly Invitae), Labcorp); PubMed 9536098 (cited by Labcorp Genetics (formerly Invitae), Labcorp).

NM_001276270.2(MBD4):c.1393G>C (p.Gly465Arg)

Gene: MBD4 (methyl-CpG binding domain 4, DNA glycosylase; minus strand). Cytogenetic location: 3q21.3.
Variant type: single nucleotide variant.
Coding change: c.1393G>C on transcript NM_001276270.2 (MANE Select); coding-DNA position 1393, G replaced by C.
Protein change: p.Gly465Arg; replaces glycine 465 with arginine.
Molecular consequence: missense variant.
Genome position (GRCh38, 1-based): chr3:129,433,850, C>G on the plus strand (G>C on the coding strand, the complement: MBD4 is on the minus strand). VCF-style: chr3-129433850-C-G. GRCh37 (hg19) VCF-style: chr3-129152693-C-G.
Other names: c.1411G>C, p.Gly471Arg (NM_001276271.2, NM_001276272.2, NM_003925.3); c.457G>C, p.Gly153Arg (NM_001276273.2); short protein forms G465R, G153R, G471R.
Identifiers: ClinVar variation 3667872 (VCV003667872.3).
Genomic context (GRCh38, chr3:129,433,850, plus strand): 5'-CAGTGCTTTCTCCCTACCACACTGTCTCTACTAAGACAAAGATGATAATAATCCCCAAAC[C>G]TGAGGTCCGATTGAGAAATATAGTAGCGATGAGAAGCTTCCATGGATCATGAAAAAGTGT-3'
Protein context (NP_001263199.1, residues 455-475): IATIFLNRTS[Gly465Arg]KMAIPVLWKF